The following is an entry in ClinVar:

NM_032043.3(BRIP1):c.1889C>A (p.Thr630Lys)

Gene: BRIP1 (BRCA1 interacting DNA helicase 1; minus strand). Cytogenetic location: 17q23.2.
Variant type: single nucleotide variant.
Coding change: c.1889C>A on transcript NM_032043.3 (MANE Select); coding-DNA position 1889, C replaced by A.
Protein change: p.Thr630Lys; replaces threonine 630 with lysine.
Molecular consequence: missense variant.
Genome position (GRCh38, 1-based): chr17:61,780,307, G>T on the plus strand (C>A on the coding strand, the complement: BRIP1 is on the minus strand). VCF-style: chr17-61780307-G-T. GRCh37 (hg19) VCF-style: chr17-59857668-G-T.
Other names: short protein forms T630K.
Identifiers: ClinVar variation 530324 (VCV000530324.14), dbSNP rs780407946, ClinGen allele CA8690640.

ClinVar aggregate classification (germline): Uncertain significance. Review status: criteria provided, multiple submitters, no conflicts (2 of 4 stars). 3 submissions from 3 submitters: Uncertain significance (3). Last evaluated 2026-06-29.

Conditions:
Familial cancer of breast. Also called: Hereditary breast cancer; BREAST CANCER, FAMILIAL; hereditary breast carcinoma. Identifiers: Orphanet 227535, MedGen C0346153, MONDO:0016419, OMIM 114480. Disease mechanism: loss of function.
Fanconi anemia complementation group J. Also called: BRIP1-Related Fanconi Anemia. Identifiers: Orphanet 84, MedGen C1836860, MONDO:0012187, OMIM 609054.
Hereditary cancer-predisposing syndrome. Also called: Hereditary neoplastic syndrome; Tumor predisposition; Hereditary Cancer Syndrome; Neoplastic Syndromes, Hereditary. Identifiers: Orphanet 140162, MedGen C0027672, MeSH D009386, MONDO:0015356.

Allele frequency attached by ClinVar (database versions not stated): ExAC 0.00001; gnomAD exomes below 0.00001.
gnomAD v4.1: 3 of 1,612,562 alleles (0.00019%); highest among the groups gnomAD compares: South Asian, 0.0022%; no homozygotes.

Submissions (3):

Institute for Biomarker Research, Medical Diagnostic Laboratories, L.L.C.
Classification: Uncertain significance for Hereditary cancer-predisposing syndrome. Last evaluated: 2026-06-29. Review status: criteria provided, single submitter. Criteria: ACMG Guidelines, 2015. Collection method: clinical testing. Allele origin: germline.
Comment: The missense variant NM_032043.3(BRIP1):c.1889C>A (p.Thr630Lys) is not currently classified as pathogenic or benign in clinical sources (Accession: VCV000530324.13). The p.Thr630Lys variant is observed in 1/30,612 (0.0033%) alleles from individuals of gnomAD South Asian background in gnomAD All. There is a moderate physicochemical difference between threonine and lysine. The gene BRIP1 has a low rate of benign missense variation as indicated by a high missense variants Z-Score of 1.20. 2 variants within 6 amino acid positions of the variant p.Thr630Lys have been shown to be pathogenic, while none have been shown to be benign. For these reasons, this variant has been classified as Uncertain Significance.

Labcorp Genetics (formerly Invitae), Labcorp
Classification: Uncertain significance for Familial cancer of breast; Fanconi anemia complementation group J. Last evaluated: 2025-05-28. Review status: criteria provided, single submitter. Criteria: Invitae Variant Classification Sherloc (09022015). Collection method: clinical testing. Allele origin: germline.
Comment: This sequence change replaces threonine, which is neutral and polar, with lysine, which is basic and polar, at codon 630 of the BRIP1 protein (p.Thr630Lys). This variant is present in population databases (rs780407946, gnomAD 0.003%). This variant has not been reported in the literature in individuals affected with BRIP1-related conditions. ClinVar contains an entry for this variant (Variation ID: 530324). Invitae Evidence Modeling of protein sequence and biophysical properties (such as structural, functional, and spatial information, amino acid conservation, physicochemical variation, residue mobility, and thermodynamic stability) indicates that this missense variant is not expected to disrupt BRIP1 protein function with a negative predictive value of 95%. In summary, the available evidence is currently insufficient to determine the role of this variant in disease. Therefore, it has been classified as a Variant of Uncertain Significance.

Ambry Genetics
Classification: Uncertain significance for Hereditary cancer-predisposing syndrome. Last evaluated: 2024-07-23. Review status: criteria provided, single submitter. Criteria: Ambry Variant Classification Scheme 2023. Collection method: clinical testing. Allele origin: germline.
Comment: The p.T630K variant (also known as c.1889C>A), located in coding exon 12 of the BRIP1 gene, results from a C to A substitution at nucleotide position 1889. The threonine at codon 630 is replaced by lysine, an amino acid with similar properties. This amino acid position is not well conserved in available vertebrate species. In addition, this alteration is predicted to be tolerated by in silico analysis. Since supporting evidence is limited at this time, the clinical significance of this alteration remains unclear.